The following is an entry in ClinVar:

NM_133433.4(NIPBL):c.6017_6018dup (p.Thr2007Ter)

Gene: NIPBL (NIPBL cohesin loading factor; plus strand). Cytogenetic location: 5p13.2.
Variant type: Duplication.
Coding change: c.6017_6018dup on transcript NM_133433.4 (MANE Select); coding-DNA positions 6017 to 6018, 2 bases duplicated (TA; older notation c.6017_6018dupTA).
Protein change: p.Thr2007Ter; replaces threonine 2007 with a stop codon.
Molecular consequence: nonsense.
Genome position (GRCh38, 1-based): chr5:37,038,647-37,038,648, TA duplicated; duplicating any 2 consecutive bases within chr5:37,038,646-37,038,648 gives the same sequence; the c. name uses the placement nearest the transcript's 3' end. VCF-style (leftmost placement, unchanged base first): chr5-37038645-C-CAT. GRCh37 (hg19) VCF-style: chr5-37038747-C-CAT.
Other names: c.6017_6018dup, p.Thr2007Ter (NM_015384.5); short protein forms T2007*.
Identifiers: ClinVar variation 2762105 (VCV002762105.3), dbSNP rs2478517111, ClinGen allele CA2697547124.
Genomic context (GRCh38, chr5:37,038,645, plus strand): 5'-TCTGTTTGTTTTTCCAGACTCTGACAATAAAGGTGTGAATTCTGGAAGATTGGTAGCTTG[C>CAT]ATAACCACTTTGTTCTTATTCAGCAAAATAAGACCCCAGCTCATGGTTAAACATGCAATG-3'

ClinVar aggregate classification (germline): Pathogenic (1 of 4 stars; one submission).

Conditions:
Cornelia de Lange syndrome 1 (CDLS1). Also called: TYPUS DEGENERATIVUS AMSTELODAMENSIS; Brachmann de Lange syndrome; NIPBL-Related Cornelia de Lange Syndrome. Identifiers: Orphanet 199, MedGen C4551851, MONDO:0007387, OMIM 122470.

Submission:

Labcorp Genetics (formerly Invitae), Labcorp
Classification: Pathogenic for Cornelia de Lange syndrome 1. Last evaluated: 2023-10-19. Review status: criteria provided, single submitter. Criteria: Invitae Variant Classification Sherloc (09022015). Collection method: clinical testing. Allele origin: germline.
Comment: This sequence change creates a premature translational stop signal (p.Thr2007*) in the NIPBL gene. It is expected to result in an absent or disrupted protein product. Loss-of-function variants in NIPBL are known to be pathogenic (PMID: 15318302, 19763162, 23505322, 29995837). This variant is not present in population databases (gnomAD no frequency). This variant has not been reported in the literature in individuals affected with NIPBL-related conditions. For these reasons, this variant has been classified as Pathogenic.

Literature cited by the submitters: PubMed 15318302; PubMed 19763162; PubMed 23505322; PubMed 29995837.